The following is an entry in ClinVar:

NM_177438.3(DICER1):c.2068G>T (p.Ala690Ser)

Gene: DICER1 (dicer 1, ribonuclease III; minus strand). Cytogenetic location: 14q32.13.
Variant type: single nucleotide variant.
Coding change: c.2068G>T on transcript NM_177438.3 (MANE Select); coding-DNA position 2068, G replaced by T.
Protein change: p.Ala690Ser; replaces alanine 690 with serine.
Molecular consequence: missense variant. On other transcripts: non-coding transcript variant (6).
Genome position (GRCh38, 1-based): chr14:95,112,220, C>A on the plus strand (G>T on the coding strand, the complement: DICER1 is on the minus strand). VCF-style: chr14-95112220-C-A. GRCh37 (hg19) VCF-style: chr14-95578557-C-A.
Other names: c.2068G>T, p.Ala690Ser (NM_001195573.1, NM_001271282.3, NM_001291628.2 and 12 more transcripts); c.1786G>T, p.Ala596Ser (NM_001395686.1); c.1663G>T, p.Ala555Ser (NM_001395687.1, NM_001395688.1, NM_001395689.1 and 3 more transcripts); c.1501G>T, p.Ala501Ser (NM_001395691.1); c.385G>T, p.Ala129Ser (NM_001395697.1); short protein forms A129S, A501S, A690S, A555S, A596S.
Identifiers: ClinVar variation 3501924 (VCV003501924.1).
Genomic context (GRCh38, chr14:95,112,220, plus strand): 5'-AAACATCCTTACCAATTTTGTGCAGTTTCTCACAGCAAATGAGAGCTACAACTCTTTCAG[C>A]CAATCGTACACAGCTCATTGGTGGACCCTGAAAATAACAAAAACCTTTCCATTATATATG-3'
Protein context (NP_803187.1, residues 680-700): VGPPMSCVRL[Ala690Ser]ERVVALICCE

ClinVar aggregate classification (germline): Uncertain significance (1 of 4 stars; one submission).

Conditions:
Hereditary cancer-predisposing syndrome. Also called: Tumor predisposition; Neoplastic Syndromes, Hereditary; Hereditary Cancer Syndrome; Hereditary neoplastic syndrome. Identifiers: Orphanet 140162, MedGen C0027672, MeSH D009386, MONDO:0015356.

Submission:

Ambry Genetics
Classification: Uncertain significance for Hereditary cancer-predisposing syndrome. Last evaluated: 2024-10-17. Review status: criteria provided, single submitter. Criteria: Ambry Variant Classification Scheme 2023. Collection method: clinical testing. Allele origin: germline.
Comment: The p.A690S variant (also known as c.2068G>T), located in coding exon 12 of the DICER1 gene, results from a G to T substitution at nucleotide position 2068. The alanine at codon 690 is replaced by serine, an amino acid with similar properties. This amino acid position is conserved. In addition, this alteration is predicted to be deleterious by in silico analysis. Based on the available evidence, the clinical significance of this variant remains unclear.